The following is an entry in ClinVar:

ClinVar aggregate classification (germline): Likely benign. Review status: criteria provided, multiple submitters, no conflicts (2 of 4 stars). 3 submissions from 3 submitters: Likely benign (3). Last evaluated 2026-02-04.

Conditions:
Immunodeficiency 104. Also called: IMMUNODEFICIENCY 104, SEVERE COMBINED; Severe combined immunodeficiency, autosomal recessive, T cell-negative, B cell-positive, NK cell-positive; SCID, AUTOSOMAL RECESSIVE, T CELL-NEGATIVE, B CELL-POSITIVE, NK CELL-POSITIVE; Severe Combined Immune Deficiency, Autosomal Recessive, TCell -Negative, B Cell-Positive, NK Cell-Positive, IL7R-Related. Identifiers: MedGen C5676890, MONDO:0012163, OMIM 608971.

Allele frequency attached by ClinVar (database versions not stated): gnomAD exomes 0.00004 and 0.00014; ExAC 0.00020; 1000 Genomes Project 30x 0.00031; 1000 Genomes Project 0.00040; gnomAD 0.00050 and 0.00056; ESP Exome Variant Server 0.00054; TOPMed 0.00062.
gnomAD v4.1: 136 of 1,613,450 alleles (0.0084%); highest among the groups gnomAD compares: African/African-American, 0.16%; 1 homozygote.

Submissions (3):

Women's Health and Genetics/Laboratory Corporation of America, LabCorp
Classification: Likely benign. Last evaluated: 2026-02-04. Review status: criteria provided, single submitter. Criteria: LabCorp Variant Classification Summary - May 2015. Collection method: clinical testing. Allele origin: germline.
Comment: Variant summary: PTPRC c.1193T>C (p.Ile398Thr) results in a non-conservative amino acid change in the encoded protein sequence. Algorithms developed to predict the effect of missense changes on protein structure and function are either unavailable or do not agree on the potential impact of this missense change. The variant allele was found at a frequency of 0.00014 in 251024 control chromosomes, predominantly at a frequency of 0.0021 within the African or African-American subpopulation in the gnomAD database, including 1 homozygotes. The observed variant frequency within African or African-American control individuals in the gnomAD database exceeds the estimated maximal expected allele frequency for disease-causing variants in PTPRC. To our knowledge, no occurrence of c.1193T>C in individuals affected with PTPRC-related conditions and no experimental evidence demonstrating its impact on protein function have been reported. ClinVar contains an entry for this variant (Variation ID: 1131435). Based on the evidence outlined above, the variant was classified as likely benign.

Labcorp Genetics (formerly Invitae), Labcorp
Classification: Likely benign for Immunodeficiency 104. Last evaluated: 2026-01-20. Review status: criteria provided, single submitter. Criteria: Invitae Variant Classification Sherloc (09022015). Collection method: clinical testing. Allele origin: germline.

Blueprint Genetics
Classification: Likely benign. Last evaluated: 2023-02-01. Review status: criteria provided, single submitter. Criteria: ACMG Guidelines, 2015. Collection method: clinical testing. Allele origin: germline.

NM_002838.5(PTPRC):c.1193T>C (p.Ile398Thr)

Gene: PTPRC (protein tyrosine phosphatase receptor type C; plus strand). Cytogenetic location: 1q32.1.
Variant type: single nucleotide variant.
Coding change: c.1193T>C on transcript NM_002838.5 (MANE Select); coding-DNA position 1193, T replaced by C.
Protein change: p.Ile398Thr; replaces isoleucine 398 with threonine.
Molecular consequence: missense variant.
Genome position (GRCh38, 1-based): chr1:198,712,974, T>C. VCF-style: chr1-198712974-T-C. GRCh37 (hg19) VCF-style: chr1-198682103-T-C.
Other names: c.710T>C, p.Ile237Thr (NM_080921.4); short protein forms I237T, I398T.
Identifiers: ClinVar variation 1131435 (VCV001131435.12), dbSNP rs145357582, ClinGen allele CA1314734.